The following is an entry in ClinVar:

NM_004364.5(CEBPA):c.295G>C (p.Gly99Arg)

Gene: CEBPA (CCAAT enhancer binding protein alpha; minus strand). Cytogenetic location: 19q13.11.
Variant type: single nucleotide variant.
Coding change: c.295G>C on transcript NM_004364.5 (MANE Select); coding-DNA position 295, G replaced by C.
Protein change: p.Gly99Arg; replaces glycine 99 with arginine.
Molecular consequence: missense variant. On other transcripts: 5 prime UTR variant (1).
Genome position (GRCh38, 1-based): chr19:33,302,120, C>G on the plus strand (G>C on the coding strand, the complement: CEBPA is on the minus strand). VCF-style: chr19-33302120-C-G. GRCh37 (hg19) VCF-style: chr19-33793026-C-G.
Other names: c.-63G>C (NM_001285829.2); c.400G>C, p.Gly134Arg (NM_001287424.2); c.253G>C, p.Gly85Arg (NM_001287435.2); short protein forms G134R, G85R, G99R.
Identifiers: ClinVar variation 3621048 (VCV003621048.2).

ClinVar aggregate classification (germline): Uncertain significance (1 of 4 stars; one submission).

Conditions:
Acute myeloid leukemia (AML). Also called: Acute myeloid leukemia, adult; AML adult; Acute non-lymphocytic leukemia; Acute granulocytic leukemia; Leukemia, acute myeloid, somatic; Leukemia, acute myelogenous, somatic. Identifiers: Orphanet 519, MedGen C0023467, MeSH D015470, MONDO:0018874, OMIM 601626, HP:0004808. Disease mechanism: Constitutively activated FLT3.

Submission:

Labcorp Genetics (formerly Invitae), Labcorp
Classification: Uncertain significance for Acute myeloid leukemia. Last evaluated: 2024-12-19. Review status: criteria provided, single submitter. Criteria: Invitae Variant Classification Sherloc (09022015). Collection method: clinical testing. Allele origin: germline.
Comment: This sequence change replaces glycine, which is neutral and non-polar, with arginine, which is basic and polar, at codon 99 of the CEBPA protein (p.Gly99Arg). This variant is not present in population databases (gnomAD no frequency). This variant has not been reported in the literature in individuals affected with CEBPA-related conditions. An algorithm developed to predict the effect of missense changes on protein structure and function (PolyPhen-2) suggests that this variant is likely to be disruptive. In summary, the available evidence is currently insufficient to determine the role of this variant in disease. Therefore, it has been classified as a Variant of Uncertain Significance.